The following is an entry in ClinVar:

ClinVar aggregate classification (germline): Conflicting classifications of pathogenicity. Review status: criteria provided, conflicting classifications (1 of 4 stars). 10 submissions from 8 submitters: Uncertain significance (1); Likely benign (8). 1 of the submissions does not count toward it. Last evaluated 2026-01-26.

Conditions:
Familial Mediterranean fever (FMF). Also called: POLYSEROSITIS, FAMILIAL PAROXYSMAL; POLYSEROSITIS, RECURRENT; Periodic peritonitis; Benign paroxysmal peritonitis. Identifiers: Orphanet 342, MedGen C0031069, MONDO:0018088, OMIM 249100. Disease mechanism: gain of function.
Familial Mediterranean fever, autosomal dominant. Also called: Dominant Familial Mediterranean Fever; FMF, AUTOSOMAL DOMINANT. Identifiers: Orphanet 342, MedGen C1851347, MONDO:0007601, OMIM 134610.
Acute febrile neutrophilic dermatosis (AFND). Also called: Sweet Syndrome; Gomm Button disease. Identifiers: Orphanet 3243, MedGen C0085077, MONDO:0011959, OMIM 608068.
MEFV-related disorder. Also called: MEFV-related disorders; MEFV-related condition.
Inborn genetic diseases. Identifiers: MedGen C0950123, MeSH D030342.

Allele frequency attached by ClinVar (database versions not stated): 1000 Genomes Project 0.00020; TOPMed 0.00025; gnomAD 0.00027 and 0.00029; ESP Exome Variant Server 0.00038; ExAC 0.00008; gnomAD exomes 0.00008; 1000 Genomes Project 30x 0.00016.
gnomAD v4.1: 85 of 1,613,998 alleles (0.0053%); highest among the groups gnomAD compares: African/African-American, 0.097%; no homozygotes.

Submissions (10):

Labcorp Genetics (formerly Invitae), Labcorp
Classification: Likely benign for Familial Mediterranean fever. Last evaluated: 2026-01-26. Review status: criteria provided, single submitter. Criteria: Invitae Variant Classification Sherloc (09022015). Collection method: clinical testing. Allele origin: germline.

Ambry Genetics
Classification: Likely benign for Inborn genetic diseases. Last evaluated: 2025-05-30. Review status: criteria provided, single submitter. Criteria: Ambry Variant Classification Scheme 2023. Collection method: clinical testing. Allele origin: germline.

Women's Health and Genetics/Laboratory Corporation of America, LabCorp
Classification: Likely benign. Last evaluated: 2025-02-17. Review status: criteria provided, single submitter. Criteria: LabCorp Variant Classification Summary - May 2015. Collection method: clinical testing. Allele origin: germline.

Blueprint Genetics
Classification: Likely benign. Last evaluated: 2024-07-11. Review status: criteria provided, single submitter. Criteria: ACMG Guidelines, 2015. Collection method: clinical testing. Allele origin: germline.

Genome-Nilou Lab
Classification: Uncertain significance for Familial Mediterranean fever. Last evaluated: 2023-02-08. Review status: criteria provided, single submitter. Criteria: ACMG Guidelines, 2015. Collection method: clinical testing. Allele origin: germline.

Genome-Nilou Lab
Classification: Likely benign for Familial Mediterranean fever, autosomal dominant. Last evaluated: 2023-02-08. Review status: criteria provided, single submitter. Criteria: ACMG Guidelines, 2015. Collection method: clinical testing. Allele origin: germline.

Genome-Nilou Lab
Classification: Likely benign for Acute febrile neutrophilic dermatosis. Last evaluated: 2023-02-08. Review status: criteria provided, single submitter. Criteria: ACMG Guidelines, 2015. Collection method: clinical testing. Allele origin: germline.

Fulgent Genetics
Classification: Likely benign for Familial Mediterranean fever, autosomal dominant; Familial Mediterranean fever; Acute febrile neutrophilic dermatosis. Last evaluated: 2021-11-24. Review status: criteria provided, single submitter. Criteria: ACMG Guidelines, 2015. Collection method: clinical testing. Allele origin: unknown.

GeneDx
Classification: Likely benign. Last evaluated: 2018-07-06. Review status: criteria provided, single submitter. Criteria: GeneDx Variant Classification Process June 2021. Collection method: clinical testing. Allele origin: germline. Affected: yes.

PreventionGenetics, part of Exact Sciences
Classification: Likely benign for MEFV-related condition. Last evaluated: 2019-08-13. Review status: no assertion criteria provided. Collection method: clinical testing. Allele origin: germline. Not counted in ClinVar's aggregate classification.
Comment: This variant is classified as likely benign based on ACMG/AMP sequence variant interpretation guidelines (Richards et al. 2015 PMID: 25741868, with internal and published modifications).

NM_000243.3(MEFV):c.231C>A (p.Ile77=)

Gene: MEFV (MEFV innate immunity regulator, pyrin; minus strand). Cytogenetic location: 16p13.3.
Variant type: single nucleotide variant.
Coding change: c.231C>A on transcript NM_000243.3 (MANE Select); coding-DNA position 231, C replaced by A.
Protein change: p.Ile77=; no amino-acid change (isoleucine 77 retained).
Molecular consequence: synonymous variant.
Genome position (GRCh38, 1-based): chr16:3,256,357, G>T on the plus strand (C>A on the coding strand, the complement: MEFV is on the minus strand). VCF-style: chr16-3256357-G-T. GRCh37 (hg19) VCF-style: chr16-3306357-G-T.
Other names: c.231C>A, p.Ile77= (NM_001198536.2).
Identifiers: ClinVar variation 761101 (VCV000761101.19), dbSNP rs139899201, ClinGen allele CA7860502.
Genomic context (GRCh38, chr16:3,256,357, plus strand): 5'-CTGGGCCCGCTTACCCTGAATGGCTGCCCTGTGGAGCTCCTCGGCCAGCAGGCGCTGGTT[G>T]ATGGCCCGCAGGACCTGCAGGGTGAGCTGCACGGCGTACTCTTCCCCATAGTAGGTGACC-3'
Protein context (NP_000234.1, residues 67-87): VQLTLQVLRA[Ile77=]NQRLLAEELH